The following is an entry in ClinVar:

ClinVar aggregate classification (germline): Uncertain significance (1 of 4 stars; one submission).

Conditions:
ARID1A-related disorder. Also called: ARID1A-related condition.

Submission:

PreventionGenetics, part of Exact Sciences
Classification: Uncertain significance for ARID1A-related condition. Last evaluated: 2024-11-25. Review status: criteria provided, single submitter. Criteria: ACMG Guidelines, 2015. Collection method: clinical testing. Allele origin: germline.
Comment: The ARID1A c.5555C>T variant is predicted to result in the amino acid substitution p.Thr1852Ile. To our knowledge, this variant has not been reported in the literature or in a large population database (gnomAD), indicating this variant is rare. At this time, the clinical significance of this variant is uncertain due to the absence of conclusive functional and genetic evidence.

NM_006015.6(ARID1A):c.5555C>T (p.Thr1852Ile)

Gene: ARID1A (AT-rich interaction domain 1A; plus strand). Cytogenetic location: 1p36.11.
Variant type: single nucleotide variant.
Coding change: c.5555C>T on transcript NM_006015.6 (MANE Select); coding-DNA position 5555, C replaced by T.
Protein change: p.Thr1852Ile; replaces threonine 1852 with isoleucine.
Molecular consequence: missense variant.
Genome position (GRCh38, 1-based): chr1:26,779,453, C>T. VCF-style: chr1-26779453-C-T. GRCh37 (hg19) VCF-style: chr1-27105944-C-T.
Other names: c.4904C>T, p.Thr1635Ile (NM_139135.4); short protein forms T1635I, T1852I.
Identifiers: ClinVar variation 4984154 (VCV004984154.1).